The following is an entry in ClinVar:

ClinVar aggregate classification (germline): Pathogenic/Likely pathogenic. Review status: criteria provided, multiple submitters, no conflicts (2 of 4 stars). 7 submissions from 7 submitters: Pathogenic (4); Likely pathogenic (3). Last evaluated 2025-03-25.

Conditions:
Cerebral cortex disorder. Also called: Cerebral cortex disease. Identifiers: MedGen C1263847, MONDO:0044996.
Pontoneocerebellar hypoplasia. Also called: Pontocerebellar hypoplasia; Non-syndromic pontocerebellar hypoplasia. Identifiers: Orphanet 98523, MedGen C1261175, MONDO:0020135.
Pontocerebellar hypoplasia type 9. Identifiers: Orphanet 369920, MedGen C4014354, MONDO:0014351, OMIM 615809.

Allele frequency attached by ClinVar (database versions not stated): gnomAD 0.00004 and 0.00003; ExAC 0.00002; gnomAD exomes 0.00002; TOPMed 0.00003.
gnomAD v4.1: 34 of 1,613,582 alleles (0.0021%); highest among the groups gnomAD compares: African/African-American, 0.004%; no homozygotes.

Submissions (7):

GeneDx
Classification: Pathogenic. Last evaluated: 2025-03-25. Review status: criteria provided, single submitter. Criteria: GeneDx Variant Classification Process June 2021. Collection method: clinical testing. Allele origin: germline.
Comment: Nonsense variant predicted to result in protein truncation or nonsense mediated decay in a gene for which loss of function is a known mechanism of disease; This variant is associated with the following publications: (PMID: 35982160, 34826127)

Women's Health and Genetics/Laboratory Corporation of America, LabCorp
Classification: Pathogenic for Pontoneocerebellar hypoplasia. Last evaluated: 2024-01-31. Review status: criteria provided, single submitter. Criteria: LabCorp Variant Classification Summary - May 2015. Collection method: clinical testing. Allele origin: germline.
Comment: Variant summary: AMPD2 c.1345C>T (p.Arg449X) results in a premature termination codon, predicted to cause absence of the protein due to nonsense mediated decay, which is a commonly known mechanism for disease. The variant allele was found at a frequency of 2.4e-05 in 251044 control chromosomes, predominantly at a frequency of 5.3e-05 within the Non-Finnish European subpopulation in the gnomAD database. c.1345C>T has been reported in the literature in at-least one individual affected with Pontocerebellar Hypoplasia, Type 9 (example, Holla_2021). These data indicate that the variant may be associated with disease. To our knowledge, no experimental evidence demonstrating an impact on protein function has been reported. The following publication have been ascertained in the context of this evaluation (PMID: 34826127). ClinVar contains an entry for this variant (Variation ID: 813899). Based on the evidence outlined above, the variant was classified as pathogenic.

Neuberg Centre For Genomic Medicine, NCGM
Classification: Likely pathogenic for Pontocerebellar hypoplasia type 9. Last evaluated: 2023-05-20. Review status: criteria provided, single submitter. Criteria: ACMG Guidelines, 2015. Collection method: clinical testing. Allele origin: germline. Inheritance: Autosomal recessive inheritance. Affected: yes.
Comment: The observed stop gained c.1345C>T(p.Arg449Ter) variant in AMPD2 gene has not been reported previously as a pathogenic variant nor as a benign variant, to our knowledge. This variant is reported with the allele frequency of 0.002% in the gnomAD Exomes. This variant has been reported to the ClinVar database as Likely Pathogenic / Pathogenic. This variant is predicted to cause loss of normal protein function either through protein truncation or nonsense-mediated mRNA decay. It is expected to result in an absent or disrupted protein product. Loss-of-function variants in AMPD2 are known to be pathogenic (Akizu et al., 2013; Holla et al., 2023). Computational evidence (MutationTaster - Disease causing automatic) predicts damaging effect on protein structure and function for this variant. For these reasons, this variant has been classified as Likely Pathogenic.

Genome-Nilou Lab
Classification: Likely pathogenic for Pontocerebellar hypoplasia type 9. Last evaluated: 2023-04-11. Review status: criteria provided, single submitter. Criteria: ACMG Guidelines, 2015. Collection method: clinical testing. Allele origin: germline. Affected: no.

Broad Center for Mendelian Genomics, Broad Institute of MIT and Harvard
Classification: Likely pathogenic for Pontocerebellar hypoplasia type 9. Last evaluated: 2023-01-25. Review status: criteria provided, single submitter. Criteria: ACMG Guidelines, 2015. Collection method: curation. Allele origin: germline. Inheritance: Autosomal recessive inheritance.
Comment: The homozygous p.Arg449Ter variant in AMPD2 was identified by our study in two siblings with pontocerebellar hypoplasia. The p.Arg449Ter variant in AMPD2 has been previously reported in one individual with pontocerebellar hypoplasia (PMID: 34826127), but has been identified in 0.0007% (3/41406) of African/African-American chromosomes by the Genome Aggregation Database (gnomAD; dbSNP ID: rs760433806). Although this variant has been seen in the general population in a heterozygous state, its frequency is low enough to be consistent with a recessive carrier frequency. This variant has also been reported in ClinVar (Variation ID: 813899) and has been interpreted as pathogenic by GeneDx and as likely pathogenic by the Broad Rare Disease Group. This nonsense variant leads to a premature termination codon at position 449, which is predicted to lead to a truncated or absent protein. Loss of function of the AMPD2 gene is strongly associated to autosomal recessive pontocerebellar hypoplasia. In summary, although additional studies are required to fully establish its clinical significance, this variant is likely pathogenic for autosomal recessive pontocerebellar hypoplasia. ACMG/AMP Criteria applied: PVS1_Strong, PM2_Supporting, PM3, (Richards 2015).

CeGaT Center for Human Genetics Tuebingen
Classification: Pathogenic. Last evaluated: 2022-07-01. Review status: criteria provided, single submitter. Criteria: CeGaT Center For Human Genetics Tuebingen Variant Classification Criteria Version 2. Collection method: clinical testing. Allele origin: germline. Affected: yes. Observed: 1 variant allele.
Comment: AMPD2: PVS1, PM2

AURAGEN, Plan France Médecine Génomique
Classification: Pathogenic for Cerebral cortex disorder. Last evaluated: 2022-01-14. Review status: criteria provided, single submitter. Criteria: PFMG2025 (Lancet Reg Health Eur. 2025). Collection method: clinical testing. Allele origin: germline. Affected: yes.

Literature cited by the submitters: PubMed 34826127 (cited by Women's Health and Genetics/Laboratory Corporation of America, LabCorp).

NM_001368809.2(AMPD2):c.1345C>T (p.Arg449Ter)

Genes: AMPD2 (adenosine monophosphate deaminase 2; plus strand), LOC126805822 (BRD4-independent group 4 enhancer GRCh37_chr1:110170748-110171947; plus strand). Cytogenetic location: 1p13.3.
Variant type: single nucleotide variant.
Coding change: c.1345C>T on transcript NM_001368809.2 (MANE Select); coding-DNA position 1345, C replaced by T.
Protein change: p.Arg449Ter; replaces arginine 449 with a stop codon.
Molecular consequence: nonsense.
Genome position (GRCh38, 1-based): chr1:109,628,433, C>T. VCF-style: chr1-109628433-C-T. GRCh37 (hg19) VCF-style: chr1-110171055-C-T.
Other names: NM_001368809.2(AMPD2):c.1345C>T; p.Arg449Ter; c.1507C>T (NM_001257360.1); c.1153C>T, p.Arg385Ter (NM_001257361.2); c.1282C>T, p.Arg428Ter (NM_001308170.1); c.1345C>T, p.Arg449Ter (NM_004037.9); c.1264C>T, p.Arg422Ter (NM_139156.4); short protein forms R385*, R428*, R422*, R449*.
Identifiers: ClinVar variation 813899 (VCV000813899.33), dbSNP rs760433806, ClinGen allele CA993080.
Genomic context (GRCh38, chr1:109,628,433, plus strand): 5'-ACTTTCCATCGCTTTGACAAGTTTAATGCCAAATACAACCCTATTGGGGAGTCCGTCCTC[C>T]GAGAGATCTTCATCAAGACGGACAACAGGGTATCTGGGAAGTACTTTGCTCACATCATCA-3'